The following is an entry in ClinVar:

NM_000017.4(ACADS):c.1195C>T (p.Arg399Trp)

Gene: ACADS (acyl-CoA dehydrogenase short chain; plus strand). Cytogenetic location: 12q24.31.
Variant type: single nucleotide variant.
Coding change: c.1195C>T on transcript NM_000017.4 (MANE Select); coding-DNA position 1195, C replaced by T.
Protein change: p.Arg399Trp; replaces arginine 399 with tryptophan.
Molecular consequence: missense variant.
Genome position (GRCh38, 1-based): chr12:120,739,404, C>T. VCF-style: chr12-120739404-C-T. GRCh37 (hg19) VCF-style: chr12-121177207-C-T.
Other names: c.1183C>T, p.Arg395Trp (NM_001302554.2); c.1195C>T (NM_000017.3); short protein forms R395W, R399W.
Identifiers: ClinVar variation 1010893 (VCV001010893.13), dbSNP rs375931905, ClinGen allele CA6831237.

ClinVar aggregate classification (germline): Conflicting classifications of pathogenicity. Review status: criteria provided, conflicting classifications (1 of 4 stars). 4 submissions from 4 submitters: Likely pathogenic (1); Uncertain significance (2). 1 of the submissions does not count toward it. Last evaluated 2023-08-29.

Conditions:
Deficiency of butyryl-CoA dehydrogenase (ACADSD). Also called: SCAD Deficiency; ACADS DEFICIENCY; SCADH DEFICIENCY; SCAD DEFICIENCY, MILD; ACYL-CoA DEHYDROGENASE, SHORT-CHAIN, DEFICIENCY OF; Short-Chain Acyl-CoA Dehydrogenase Deficiency. Identifiers: Orphanet 26792, MedGen C0342783, MONDO:0008722, OMIM 201470. Disease mechanism: May be benign.

Allele frequency attached by ClinVar (database versions not stated): TOPMed below 0.00001.

Submissions (4):

Women's Health and Genetics/Laboratory Corporation of America, LabCorp
Classification: Uncertain significance. Last evaluated: 2023-08-29. Review status: criteria provided, single submitter. Criteria: LabCorp Variant Classification Summary - May 2015. Collection method: clinical testing. Allele origin: germline.
Comment: Variant summary: ACADS c.1195C>T (p.Arg399Trp) results in a non-conservative amino acid change located in the Acyl-CoA dehydrogenase/oxidase, C-terminal domain (IPR009075) of the encoded protein sequence. Five of five in-silico tools predict a damaging effect of the variant on protein function. The variant allele was found at a frequency of 4.1e-06 in 245740 control chromosomes (gnomAD). The available data on variant occurrences in the general population are insufficient to allow any conclusion about variant significance. c.1195C>T has been reported in the literature in individuals affected with short- and very-long-chain-acyl-CoA dehydrogenase deficiencies (SCADD/VLCADD) (examples: Gong_2022, Tan_2021, and Lin_2020). These report(s) do not provide unequivocal conclusions about association of the variant with Deficiency Of Butyryl-CoA Dehydrogenase. To our knowledge, no experimental evidence demonstrating an impact on protein function has been reported. The following publications have been ascertained in the context of this evaluation (PMID: 36207829, 32710939, 34394177). One submitter has cited clinical-significance assessments for this variant to ClinVar after 2014 and has classified the variant as uncertain significance. Based on the evidence outlined above, the variant was classified as uncertain significance.

Labcorp Genetics (formerly Invitae), Labcorp
Classification: Uncertain significance for Deficiency of butyryl-CoA dehydrogenase. Last evaluated: 2022-12-14. Review status: criteria provided, single submitter. Criteria: Invitae Variant Classification Sherloc (09022015). Collection method: clinical testing. Allele origin: germline.
Comment: This sequence change replaces arginine, which is basic and polar, with tryptophan, which is neutral and slightly polar, at codon 399 of the ACADS protein (p.Arg399Trp). This variant is present in population databases (rs375931905, gnomAD 0.005%). This missense change has been observed in individuals with ACADS-related conditions (PMID: 32710939; Invitae). ClinVar contains an entry for this variant (Variation ID: 1010893). Advanced modeling of protein sequence and biophysical properties (such as structural, functional, and spatial information, amino acid conservation, physicochemical variation, residue mobility, and thermodynamic stability) has been performed at Invitae for this missense variant, however the output from this modeling did not meet the statistical confidence thresholds required to predict the impact of this variant on ACADS protein function. In summary, the available evidence is currently insufficient to determine the role of this variant in disease. Therefore, it has been classified as a Variant of Uncertain Significance.

Juno Genomics, Hangzhou Juno Genomics, Inc
Classification: Likely pathogenic for Deficiency of butyryl-CoA dehydrogenase. Review status: criteria provided, single submitter. Criteria: ACMG Guidelines, 2015. Collection method: clinical testing. Allele origin: germline.
Comment: Absent from controls (or at extremely low frequency if recessive) in Genome Aggregation Database.;Multiple lines of computational evidence support a deleterious effect on the gene or gene product.;For recessive disorders, detected in trans with a pathogenic variant.

Neonatal Disease Screening Center, Medical Genetics Center, Huaihua City Maternal and Child Health Care Hospital
Classification: Pathogenic for Deficiency of butyryl-CoA dehydrogenase. Review status: no assertion criteria provided. Criteria: ACMG Guidelines, 2015. Collection method: clinical testing. Allele origin: germline. Affected: yes. Observed: 2 variant alleles. Not counted in ClinVar's aggregate classification.
Comment: PM2_P+PM3_VS+PP3+PP4

Literature cited by the submitters: PubMed 32710939 (cited by Women's Health and Genetics/Laboratory Corporation of America, LabCorp and Labcorp Genetics (formerly Invitae), Labcorp); PubMed 34394177 (cited by Women's Health and Genetics/Laboratory Corporation of America, LabCorp); PubMed 36207829 (cited by Women's Health and Genetics/Laboratory Corporation of America, LabCorp).